The following is an entry in ClinVar:

NM_005068.3(SIM1):c.349-7T>G

Gene: SIM1 (SIM bHLH transcription factor 1; minus strand). Cytogenetic location: 6q16.3.
Variant type: single nucleotide variant.
Coding change: c.349-7T>G on transcript NM_005068.3 (MANE Select); 7 bases into the intron before coding-DNA position 349, T replaced by G.
Molecular consequence: intron variant.
Genome position (GRCh38, 1-based): chr6:100,449,706, A>C on the plus strand (T>G on the coding strand, the complement: SIM1 is on the minus strand). VCF-style: chr6-100449706-A-C. GRCh37 (hg19) VCF-style: chr6-100897582-A-C.
Other names: c.349-7T>G (NM_001374769.1).
Identifiers: ClinVar variation 3349420 (VCV003349420.1).

ClinVar aggregate classification (germline): Likely benign (0 of 4 stars; one submission).

Conditions:
SIM1-related disorder. Also called: SIM1-related condition; SIM1-related disorders.

Submission:

PreventionGenetics, part of Exact Sciences
Classification: Likely benign for SIM1-related condition. Last evaluated: 2022-11-01. Review status: no assertion criteria provided. Collection method: clinical testing. Allele origin: germline.
Comment: This variant is classified as likely benign based on ACMG/AMP sequence variant interpretation guidelines (Richards et al. 2015 PMID: 25741868, with internal and published modifications).